The following is an entry in ClinVar:

ClinVar aggregate classification (germline): Uncertain significance. Review status: criteria provided, multiple submitters, no conflicts (2 of 4 stars). 3 submissions from 3 submitters: Uncertain significance (3). Last evaluated 2025-05-20.

Conditions:
Genitopatellar syndrome (GTPTS). Also called: Genitopatellar syndrome (GPS); ABSENT PATELLAE, SCROTAL HYPOPLASIA, RENAL ANOMALIES, FACIAL DYSMORPHISM, AND MENTAL RETARDATION. Identifiers: Orphanet 85201, MedGen C1853566, MONDO:0011640, OMIM 606170.

Allele frequency attached by ClinVar (database versions not stated): gnomAD exomes below 0.00001; ExAC 0.00001.
gnomAD v4.1: 2 of 1,614,112 alleles (0.00012%); highest among the groups gnomAD compares: Admixed American, 0.0017%; no homozygotes.

Submissions (3):

GeneDx
Classification: Uncertain significance. Last evaluated: 2025-05-20. Review status: criteria provided, single submitter. Criteria: GeneDx Variant Classification Process June 2021. Collection method: clinical testing. Allele origin: germline. Affected: yes.
Comment: Not observed at significant frequency in large population cohorts (gnomAD); In silico analysis supports that this missense variant has a deleterious effect on protein structure/function; Has not been previously published as pathogenic or benign to our knowledge

Labcorp Genetics (formerly Invitae), Labcorp
Classification: Uncertain significance for Genitopatellar syndrome. Last evaluated: 2025-05-05. Review status: criteria provided, single submitter. Criteria: Invitae Variant Classification Sherloc (09022015). Collection method: clinical testing. Allele origin: germline.
Comment: This sequence change replaces methionine, which is neutral and non-polar, with threonine, which is neutral and polar, at codon 859 of the KAT6B protein (p.Met859Thr). This variant is not present in population databases (gnomAD no frequency). This variant has not been reported in the literature in individuals affected with KAT6B-related conditions. ClinVar contains an entry for this variant (Variation ID: 1878349). Invitae Evidence Modeling of protein sequence and biophysical properties (such as structural, functional, and spatial information, amino acid conservation, physicochemical variation, residue mobility, and thermodynamic stability) indicates that this missense variant is expected to disrupt KAT6B protein function with a positive predictive value of 80%. In summary, the available evidence is currently insufficient to determine the role of this variant in disease. Therefore, it has been classified as a Variant of Uncertain Significance.

Women's Health and Genetics/Laboratory Corporation of America, LabCorp
Classification: Uncertain significance. Last evaluated: 2022-12-20. Review status: criteria provided, single submitter. Criteria: LabCorp Variant Classification Summary - May 2015. Collection method: clinical testing. Allele origin: germline.
Comment: Variant summary: KAT6B c.2576T>C (p.Met859Thr) results in a non-conservative amino acid change in the encoded protein sequence. Five of five in-silico tools predict a damaging effect of the variant on protein function. The variant was absent in 251392 control chromosomes. The available data on variant occurrences in the general population are insufficient to allow any conclusion about variant significance. To our knowledge, no occurrence of c.2576T>C in individuals affected with KAT6B-Related Spectrum Disorders and no experimental evidence demonstrating its impact on protein function have been reported. No clinical diagnostic laboratories have submitted clinical-significance assessments for this variant to ClinVar after 2014. Based on the evidence outlined above, the variant was classified as uncertain significance.

NM_012330.4(KAT6B):c.2576T>C (p.Met859Thr)

Gene: KAT6B (lysine acetyltransferase 6B; plus strand). Cytogenetic location: 10q22.2.
Variant type: single nucleotide variant.
Coding change: c.2576T>C on transcript NM_012330.4 (MANE Select); coding-DNA position 2576, T replaced by C.
Protein change: p.Met859Thr; replaces methionine 859 with threonine.
Molecular consequence: missense variant.
Genome position (GRCh38, 1-based): chr10:74,989,059, T>C. VCF-style: chr10-74989059-T-C. GRCh37 (hg19) VCF-style: chr10-76748817-T-C.
Other names: c.2027T>C, p.Met676Thr (NM_001256468.2, NM_001370138.1); c.1700T>C, p.Met567Thr (NM_001256469.2, NM_001370139.1, NM_001370140.1 and 2 more transcripts); c.1538T>C, p.Met513Thr (NM_001370132.1); c.887T>C, p.Met296Thr (NM_001370133.1); c.491T>C, p.Met164Thr (NM_001370134.1); c.233T>C, p.Met78Thr (NM_001370135.1); c.2576T>C, p.Met859Thr (NM_001370136.1, NM_001370137.1); c.1511T>C, p.Met504Thr (NM_001370143.1, NM_001370144.1); short protein forms M504T, M513T, M78T, M296T, M164T, M859T, M567T, M676T.
Identifiers: ClinVar variation 1878349 (VCV001878349.7), dbSNP rs754778615, ClinGen allele CA5564620.
Genomic context (GRCh38, chr10:74,989,059, plus strand): 5'-TCTGTTTCTCCTTCCCTCAGGAAAAGCTTTGCCAGCAGAAGTATAATGTCTCCTGCATAA[T>C]GATCATGCCCCAGCACCAAAGGCAAGGATTTGGACGGTTTCTCATTGATTTCAGTAAGTG-3'
Protein context (NP_036462.2, residues 849-869): CQQKYNVSCI[Met859Thr]IMPQHQRQGF